The following is an entry in ClinVar:

NM_032608.7(MYO18B):c.1433del (p.Pro478fs)

Gene: MYO18B (myosin XVIIIB; plus strand). Cytogenetic location: 22q12.1.
Variant type: Deletion.
Coding change: c.1433del on transcript NM_032608.7 (MANE Select); coding-DNA position 1433, one base deleted (C; older notation c.1433delC).
Protein change: p.Pro478fs; shifts the reading frame from proline 478.
Molecular consequence: frameshift variant.
Genome position (GRCh38, 1-based): chr22:25,769,349, C deleted; the last of 2 consecutive C bases (chr22:25,769,348-25,769,349); deleting either gives the same sequence. VCF-style (leftmost placement, unchanged base first): chr22-25769347-GC-G. GRCh37 (hg19) VCF-style: chr22-26165314-GC-G.
Other names: c.1433del, p.Pro478fs (NM_001318245.2); short protein forms P478fs.
Identifiers: ClinVar variation 2036384 (VCV002036384.4), dbSNP rs2517664271, ClinGen allele CA2580099348.

ClinVar aggregate classification (germline): Pathogenic (1 of 4 stars; one submission).

Submission:

Labcorp Genetics (formerly Invitae), Labcorp
Classification: Pathogenic. Last evaluated: 2022-10-21. Review status: criteria provided, single submitter. Criteria: Invitae Variant Classification Sherloc (09022015). Collection method: clinical testing. Allele origin: germline.
Comment: This variant has not been reported in the literature in individuals affected with MYO18B-related conditions. For these reasons, this variant has been classified as Pathogenic. This variant is not present in population databases (gnomAD no frequency). This sequence change creates a premature translational stop signal (p.Pro478Leufs*53) in the MYO18B gene. It is expected to result in an absent or disrupted protein product. Loss-of-function variants in MYO18B are known to be pathogenic (PMID: 25748484, 32184166, 32637634).

Literature cited by the submitters: PubMed 25748484; PubMed 32184166; PubMed 32637634.